The following is an entry in ClinVar:

ClinVar aggregate classification (germline): Uncertain significance (1 of 4 stars; one submission).

Conditions:
Hereditary motor and sensory neuropathy, Okinawa type (HMSNO). Also called: HEREDITARY MOTOR AND SENSORY NEUROPATHY, PROXIMAL TYPE. Identifiers: Orphanet 90117, MedGen C1858338, MONDO:0011468, OMIM 604484.
Hereditary spastic paraplegia 57. Also called: Spastic paraplegia 57, autosomal recessive. Identifiers: Orphanet 431329, MedGen C3714897, MONDO:0014295, OMIM 615658.

Submission:

Labcorp Genetics (formerly Invitae), Labcorp
Classification: Uncertain significance for Hereditary motor and sensory neuropathy, Okinawa type; Hereditary spastic paraplegia 57. Last evaluated: 2022-12-20. Review status: criteria provided, single submitter. Criteria: Invitae Variant Classification Sherloc (09022015). Collection method: clinical testing. Allele origin: germline.
Comment: This sequence change replaces proline, which is neutral and non-polar, with leucine, which is neutral and non-polar, at codon 308 of the TFG protein (p.Pro308Leu). This variant is not present in population databases (gnomAD no frequency). This variant has not been reported in the literature in individuals affected with TFG-related conditions. Advanced modeling of protein sequence and biophysical properties (such as structural, functional, and spatial information, amino acid conservation, physicochemical variation, residue mobility, and thermodynamic stability) performed at Invitae indicates that this missense variant is not expected to disrupt TFG protein function. In summary, the available evidence is currently insufficient to determine the role of this variant in disease. Therefore, it has been classified as a Variant of Uncertain Significance.

NM_006070.6(TFG):c.923C>T (p.Pro308Leu)

Gene: TFG (trafficking from ER to golgi regulator; plus strand). Cytogenetic location: 3q12.2.
Variant type: single nucleotide variant.
Coding change: c.923C>T on transcript NM_006070.6 (MANE Select); coding-DNA position 923, C replaced by T.
Protein change: p.Pro308Leu; replaces proline 308 with leucine.
Molecular consequence: missense variant.
Genome position (GRCh38, 1-based): chr3:100,748,251, C>T. VCF-style: chr3-100748251-C-T. GRCh37 (hg19) VCF-style: chr3-100467095-C-T.
Other names: c.923C>T, p.Pro308Leu (NM_001007565.2, NM_001195478.2); c.911C>T, p.Pro304Leu (NM_001195479.2); short protein forms P308L, P304L.
Identifiers: ClinVar variation 2933734 (VCV002933734.3), dbSNP rs2149106095, ClinGen allele CA353853392.